The following is an entry in ClinVar:

NM_198253.3(TERT):c.3207C>T (p.Ala1069=)

Gene: TERT (telomerase reverse transcriptase; minus strand). Cytogenetic location: 5p15.33.
Variant type: single nucleotide variant.
Coding change: c.3207C>T on transcript NM_198253.3 (MANE Select); coding-DNA position 3207, C replaced by T.
Protein change: p.Ala1069=; no amino-acid change (alanine 1069 retained).
Molecular consequence: synonymous variant. On other transcripts: non-coding transcript variant (2).
Genome position (GRCh38, 1-based): chr5:1,254,456, G>A on the plus strand (C>T on the coding strand, the complement: TERT is on the minus strand). VCF-style: chr5-1254456-G-A. GRCh37 (hg19) VCF-style: chr5-1254571-G-A.
Other names: c.3018C>T, p.Ala1006= (NM_001193376.3).
Identifiers: ClinVar variation 471886 (VCV000471886.19), dbSNP rs376835357, ClinGen allele CA3184248.

ClinVar aggregate classification (germline): Likely benign. Review status: criteria provided, multiple submitters, no conflicts (2 of 4 stars). 4 submissions from 4 submitters: Likely benign (4). Last evaluated 2026-01-01.

Conditions:
Dyskeratosis congenita. Identifiers: Orphanet 1775, MedGen C0265965, MONDO:0015780.
Idiopathic Pulmonary Fibrosis. Also called: Idiopathic fibrosing alveolitis, chronic form; idiopathic fibrosing alveolitis. Identifiers: Orphanet 2032, MedGen C1800706, MeSH D054990, MONDO:0800504.
Dyskeratosis congenita, autosomal dominant 2. Identifiers: MedGen C3151443, MONDO:0013521, OMIM 613989.

Allele frequency attached by ClinVar (database versions not stated): gnomAD exomes 0.00017; gnomAD 0.00021; ExAC 0.00022; TOPMed 0.00024; 1000 Genomes Project 30x 0.00031; ESP Exome Variant Server 0.00031; 1000 Genomes Project 0.00040.

Submissions (4):

CeGaT Center for Human Genetics Tuebingen
Classification: Likely benign. Last evaluated: 2026-01-01. Review status: criteria provided, single submitter. Criteria: CeGaT Center For Human Genetics Tuebingen Variant Classification Criteria Version 2. Collection method: clinical testing. Allele origin: germline. Affected: yes. Observed: 1 variant allele.
Comment: TERT: BP4, BP7

Labcorp Genetics (formerly Invitae), Labcorp
Classification: Likely benign for Dyskeratosis congenita, autosomal dominant 2; Idiopathic Pulmonary Fibrosis. Last evaluated: 2025-09-28. Review status: criteria provided, single submitter. Criteria: Invitae Variant Classification Sherloc (09022015). Collection method: clinical testing. Allele origin: germline.

Ambry Genetics
Classification: Likely benign for Dyskeratosis congenita. Last evaluated: 2022-02-23. Review status: criteria provided, single submitter. Criteria: Ambry Variant Classification Scheme 2023. Collection method: clinical testing. Allele origin: germline.

Breakthrough Genomics
Classification: Likely benign. Review status: criteria provided, single submitter. Criteria: ACMG Guidelines, 2015. Collection method: not provided. Allele origin: germline. Inheritance: Autosomal recessive inheritance. Affected: yes.